The following is an entry in ClinVar:

NM_000169.3(GLA):c.860G>C (p.Trp287Ser)

Genes: GLA (galactosidase alpha; minus strand), RPL36A-HNRNPH2 (RPL36A-HNRNPH2 readthrough; plus strand). Cytogenetic location: Xq22.1.
Variant type: single nucleotide variant.
Coding change: c.860G>C on transcript NM_000169.3 (MANE Select); coding-DNA position 860, G replaced by C.
Protein change: p.Trp287Ser; replaces tryptophan 287 with serine.
Molecular consequence: missense variant. On other transcripts: non-coding transcript variant (3), intron variant (2).
Genome position (GRCh38, 1-based): chrX:101,398,509, C>G on the plus strand (G>C on the coding strand, the complement: GLA is on the minus strand). VCF-style: chrX-101398509-C-G. GRCh37 (hg19) VCF-style: chrX-100653497-C-G.
Other names: c.983G>C, p.Trp328Ser (NM_001406747.1); c.860G>C, p.Trp287Ser (NM_001406748.1); c.300+3052C>G (NM_001199973.2); c.177+6687C>G (NM_001199974.2); short protein forms W287S, W328S.
Identifiers: ClinVar variation 4087557 (VCV004087557.2).
Genomic context (GRCh38, chrX:101,398,509, plus strand): 5'-GCTTGAGGGCTGATGTGTCGGAGGTCATTAGACATGAATAAAGGAGCAGCCATGATAGCC[C>G]AGAGGGCCATCTGAGTTACTTGCTGATTCCAGCTGAGGCCAAAGTTGCCAATCACTAACT-3'
Protein context (NP_000160.1, residues 277-297): WNQQVTQMAL[Trp287Ser]AIMAAPLFMS

ClinVar aggregate classification (germline): Uncertain significance (1 of 4 stars; one submission).

Conditions:
Fabry disease. Also called: ALPHA-GALACTOSIDASE A DEFICIENCY; ANDERSON-FABRY DISEASE; CERAMIDE TRIHEXOSIDASE DEFICIENCY; GLA DEFICIENCY; HEREDITARY DYSTOPIC LIPIDOSIS; Angiokeratoma corporis diffusum. Identifiers: Orphanet 324, MedGen C0002986, MONDO:0010526, OMIM 301500, HP:0001071. Disease mechanism: Fabry disease is due to inactivating mutations in the X-linked GLA gene resulting in deficiency of the enzyme Alpha Galactosidase-A., loss of function.

Submission:

Genomenon, Inc
Classification: Uncertain significance for Fabry disease. Last evaluated: 2026-09-08. Review status: criteria provided, single submitter. Criteria: Genomenon Sequence Variant Interpretation Standards - Updated. Collection method: curation. Allele origin: germline. Affected: yes.
Comment: GLA p.Trp287Ser (c.860G>C) is a missense variant that changes the amino acid at codon 287 from Tryptophan to Serine. This variant has been observed in at least one proband with clinical features consistent with Fabry disease (PMID:31649303). Functional or patient cell studies have been reported (PMID:31649303). It is absent or not present at a significant frequency in gnomAD. In silico models predict that this variant is possibly or probably damaging. In conclusion, we classify GLA p.Trp287Ser (c.860G>C) as a variant of uncertain significance.

Literature cited by the submitters: PubMed 31649303.